The following is an entry in ClinVar:

ClinVar aggregate classification (germline): Benign. Review status: reviewed by expert panel (3 of 4 stars). 6 submissions from 6 submitters: Benign (1). 5 of the submissions do not count toward it. Last evaluated 2025-05-20.

Conditions:
Primary ciliary dyskinesia. Also called: Ciliary dyskinesia. Identifiers: Orphanet 244, MedGen C0008780, MONDO:0016575, HP:0012265.
RPGR-related retinopathy. Also called: RPGR retinopathy. Identifiers: MedGen CN305589, MONDO:0100437.

Allele frequency attached by ClinVar (database versions not stated): 1000 Genomes Project 30x 0.00770; 1000 Genomes Project 0.00901; TOPMed 0.01897; gnomAD 0.01906 and 0.02044; gnomAD exomes 0.01927 and 0.02457; ExAC 0.01969; ESP Exome Variant Server 0.01970.
gnomAD v4.1: 29,114 of 1,207,070 alleles (2.4%); highest among the groups gnomAD compares: Middle Eastern, 4%; 288 homozygotes.

Submissions (6):

ClinGen X-linked Inherited Retinal Disease Variant Curation Expert Panel, ClinGen
Classification: Benign for RPGR-related retinopathy. Last evaluated: 2025-05-20. Review status: reviewed by expert panel. Criteria: ClinGen X LinkedIRD ACMG Specifications RPGR V1.0.0. Collection method: curation. Allele origin: germline. Inheritance: X-linked inheritance.
Comment: NM_001034853.2(RPGR):c.3231T>A (p.Asn1077Lys) is a missense variant encoding the substitution of asparagine with lysine at position 1077. This variant is present in gnomAD v.4.1.0 at a frequency of 0.02339 among hemizygous individuals, with 9,240 variant alleles / 395,050 total alleles, which is higher than the ClinGen X-linked IRD VCEP BA1 threshold of >0.00005 (BA1). The computational predictor REVEL gives a score of 0.05, which is below the ClinGen X-linked IRD VCEP threshold of <0.016 and predicts a non-damaging effect on RPGR function. Additionally, the splicing impact predictor SpliceAI gives a delta score of 0.00, which is below the ClinGen X-linked IRD VCEP recommended threshold of <0.1 and does not strongly predict an impact on splicing (BP4_strong). This variant has been reported in at least 2 apparently unrelated control individuals meeting the BS2 requirement of no functional visual impairment by age 30 years (PMIDs: 12657579, BS2_supporting). In summary, this variant is classified as benign for RPGR-related retinopathy based on the ClinGen X-linked Inherited Retinal Disease Expert Panel Specifications to the ACMG/AMP Variant Interpretation Guidelines for RPGR Version 1.0.0; BA1, BP4_strong, and BS2_supporting. (date of approval 05/16/2025).

Labcorp Genetics (formerly Invitae), Labcorp
Classification: Benign for Primary ciliary dyskinesia. Last evaluated: 2026-02-04. Review status: criteria provided, single submitter. Criteria: Invitae Variant Classification Sherloc (09022015). Collection method: clinical testing. Allele origin: germline. Not counted in ClinVar's aggregate classification.

GeneDx
Classification: Likely benign. Last evaluated: 2023-12-06. Review status: criteria provided, single submitter. Criteria: GeneDx Variant Classification Process June 2021. Collection method: clinical testing. Allele origin: germline. Affected: yes. Not counted in ClinVar's aggregate classification.
Comment: See Variant Classification Assertion Criteria.

PreventionGenetics, part of Exact Sciences
Classification: Benign. Last evaluated: 2019-11-27. Review status: criteria provided, single submitter. Criteria: ACMG Guidelines, 2015. Collection method: clinical testing. Allele origin: germline. Not counted in ClinVar's aggregate classification.

Laboratory for Molecular Medicine, Mass General Brigham Personalized Medicine
Classification: Likely benign. Last evaluated: 2016-03-28. Review status: criteria provided, single submitter. Criteria: LMM Criteria. Collection method: clinical testing. Allele origin: germline. Not counted in ClinVar's aggregate classification.
Comment: Variant identified in a genome or exome case(s) and assessed due to predicted null impact of the variant or pathogenic assertions in the literature or databases. Disclaimer: This variant has not undergone full assessment. The following are preliminary notes: Frequency

Breakthrough Genomics
Classification: Likely benign. Review status: criteria provided, single submitter. Criteria: ACMG Guidelines, 2015. Collection method: not provided. Allele origin: germline. Inheritance: X-linked inheritance. Affected: yes. Not counted in ClinVar's aggregate classification.

NM_001034853.2(RPGR):c.3231T>A (p.Asn1077Lys)

Gene: RPGR (retinitis pigmentosa GTPase regulator; minus strand). Cytogenetic location: Xp11.4.
Variant type: single nucleotide variant.
Coding change: c.3231T>A on transcript NM_001034853.2 (MANE Select); coding-DNA position 3231, T replaced by A.
Protein change: p.Asn1077Lys; replaces asparagine 1077 with lysine.
Molecular consequence: missense variant. On other transcripts: intron variant (8).
Genome position (GRCh38, 1-based): chrX:38,285,768, A>T on the plus strand (T>A on the coding strand, the complement: RPGR is on the minus strand). VCF-style: chrX-38285768-A-T. GRCh37 (hg19) VCF-style: chrX-38145021-A-T.
Other names: NM_001034853.2(RPGR):c.3231T>A; c.1569+5191T>A (NM_001367249.1, NM_001367250.1); c.1902+1326T>A (NM_001367245.1); c.1386+5191T>A (NM_001367251.1); c.1719+1326T>A (NM_001367246.1); c.1572+5191T>A (NM_001367247.1); c.1905+1326T>A (NM_000328.3); c.1602+5191T>A (NM_001367248.1); short protein forms N1077K.
Identifiers: ClinVar variation 403392 (VCV000403392.20), dbSNP rs62636730, ClinGen allele CA10385168.
Genomic context (GRCh38, chrX:38,285,768, plus strand): 5'-ATATTTCACAGATCCTTTTATTTTGCTCACTTTTTTGTACTCCTCTCCATCCTGCCTTTC[A>T]TTCTCTTCTTCGCCTGTCTCCTGATACTTCCCCTCTTCTTCCTCCTCCTCTTCTCTGTTC-3'
Protein context (NP_001030025.1, residues 1067-1087): GKYQETGEEE[Asn1077Lys]ERQDGEEYKK